The following is an entry in ClinVar:

ClinVar aggregate classification (germline): Benign/Likely benign. Review status: criteria provided, multiple submitters, no conflicts (2 of 4 stars). 8 submissions from 8 submitters: Benign (7); Likely benign (1). Last evaluated 2026-02-03.

Conditions:
Congenital dyserythropoietic anemia, type I. Also called: Dyserythropoietic anemia, congenital type 1. Identifiers: Orphanet 98869, MedGen C0271933, MONDO:0020337. Disease mechanism: loss of function.
Anemia, congenital dyserythropoietic, type 1a (CDAN1A). Also called: CDAN1-Related Congenital Dyserythropoietic Anemia; DYSERYTHROPOIETIC ANEMIA, CONGENITAL, TYPE Ia. Identifiers: MedGen C5574667, MONDO:0009135, OMIM 224120.

Allele frequency attached by ClinVar (database versions not stated): gnomAD exomes 0.01226 and 0.02497; ExAC 0.03942; ESP Exome Variant Server 0.05290; gnomAD 0.05862 and 0.06134; TOPMed 0.06484; 1000 Genomes Project 30x 0.07589; 1000 Genomes Project 0.07608.
gnomAD v4.1: 27,132 of 1,600,120 alleles (1.7%); highest among the groups gnomAD compares: African/African-American, 19%; 1,497 homozygotes.

Submissions (8):

Labcorp Genetics (formerly Invitae), Labcorp
Classification: Benign. Last evaluated: 2026-02-03. Review status: criteria provided, single submitter. Criteria: Invitae Variant Classification Sherloc (09022015). Collection method: clinical testing. Allele origin: germline.

ARUP Laboratories, Molecular Genetics and Genomics, ARUP Laboratories
Classification: Benign for Anemia, congenital dyserythropoietic, type 1a. Last evaluated: 2025-07-28. Review status: criteria provided, single submitter. Criteria: ARUP Molecular Germline Variant Investigation Process 2024. Collection method: clinical testing. Allele origin: germline.

Blueprint Genetics
Classification: Likely benign. Last evaluated: 2024-11-27. Review status: criteria provided, single submitter. Criteria: ACMG Guidelines, 2015. Collection method: clinical testing. Allele origin: germline.

GeneDx
Classification: Benign. Last evaluated: 2021-05-04. Review status: criteria provided, single submitter. Criteria: GeneDx Variant Classification Process June 2021. Collection method: clinical testing. Allele origin: germline. Affected: yes.
Comment: This variant is associated with the following publications: (PMID: 29146883)

Illumina Laboratory Services, Illumina
Classification: Benign for Anemia, congenital dyserythropoietic, type 1a. Last evaluated: 2018-01-13. Review status: criteria provided, single submitter. Criteria: ICSL Variant Classification Criteria 13 December 2019. Collection method: clinical testing. Allele origin: germline.
Comment: This variant was observed in the ICSL laboratory as part of a predisposition screen in an ostensibly healthy population. It had not been previously curated by ICSL or reported in the Human Gene Mutation Database (HGMD: prior to June 1st, 2018), and was therefore a candidate for classification through an automated scoring system. Utilizing variant allele frequency, disease prevalence and penetrance estimates, and inheritance mode, an automated score was calculated to assess if this variant is too frequent to cause the disease. Based on the score and internal cut-off values, a variant classified as benign is not then subjected to further curation. The score for this variant resulted in a classification of benign for this disease.

Mayo Clinic Laboratories, Mayo Clinic
Classification: Benign. Last evaluated: 2016-08-24. Review status: criteria provided, single submitter. Criteria: ACMG Guidelines, 2015. Collection method: clinical testing. Allele origin: germline. Observed: 167 variant alleles.

Breakthrough Genomics
Classification: Benign. Review status: criteria provided, single submitter. Criteria: ACMG Guidelines, 2015. Collection method: not provided. Allele origin: germline. Inheritance: Autosomal recessive inheritance. Affected: yes.

PreventionGenetics, part of Exact Sciences
Classification: Benign. Review status: criteria provided, single submitter. Criteria: ACMG Guidelines, 2015. Collection method: clinical testing. Allele origin: germline.

NM_138477.4(CDAN1):c.443C>T (p.Ala148Val)

Genes: CDAN1 (codanin 1; minus strand), LOC130056931 (ATAC-STARR-seq lymphoblastoid silent region 6376; plus strand). Cytogenetic location: 15q15.2.
Variant type: single nucleotide variant.
Coding change: c.443C>T on transcript NM_138477.4 (MANE Select); coding-DNA position 443, C replaced by T.
Protein change: p.Ala148Val; replaces alanine 148 with valine.
Molecular consequence: missense variant.
Genome position (GRCh38, 1-based): chr15:42,736,428, G>A on the plus strand (C>T on the coding strand, the complement: CDAN1 is on the minus strand). VCF-style: chr15-42736428-G-A. GRCh37 (hg19) VCF-style: chr15-43028626-G-A.
Other names: p.Ala148Val; c.443C>T, p.Ala148Val (LRG_1164t1); short protein forms A148V.
Identifiers: ClinVar variation 262377 (VCV000262377.31), dbSNP rs73410959, ClinGen allele CA7516416.
Genomic context (GRCh38, chr15:42,736,428, plus strand): 5'-TCAGACAGCGTGAGGCTGGGGCGGCTGGGGCTGCCAGAGCCCCTAAGCCTCCGGCCCCCG[G>A]CTCCGGGCAGGCTCTCCCCGCTGACCCCCTCCTCCAGGCCGCGGCCTCCACGCTCGCGGG-3'
Protein context (NP_612486.2, residues 138-158): EGVSGESLPG[Ala148Val]GGRRLRGSGS